The following is an entry in ClinVar:

GRCh38/hg38 5p15.33-15.31(chr5:22149-7213275)x1

Genes: AHRR (aryl hydrocarbon receptor repressor; plus strand), BRD9 (bromodomain containing 9; minus strand), CCDC127 (coiled-coil domain containing 127; minus strand), CEP72 (centrosomal protein 72), CEP72-DT (CEP72 divergent transcript) and 270 more. Cytogenetic location: 5p15.33-15.31.
Variant type: copy number loss.
Change: copy number 1 (one copy instead of two) of chr5:22,149-7,213,275 (7.19 Mb, GRCh38 coordinates, 1-based), cytogenetic band 5p15.33-15.31.
Identifiers: ClinVar variation 59554 (VCV000059554.2).

ClinVar aggregate classification (germline): Pathogenic (1 of 4 stars; one submission).

Submission:

ISCA site 4
Classification: Pathogenic. Last evaluated: 2011-08-12. Review status: criteria provided, single submitter. Criteria: Kaminsky et al. (Genet Med. 2011). Collection method: clinical testing. Allele origin: unknown. Affected: yes. Observed: 1 variant allele.
Comment: Copy number variation identified through the course of routine clinical cytogenomic testing in postnatal populations. Clinical assertions have been curated as described in Kaminsky et al. 2011.